The following is an entry in ClinVar:

NM_001286577.2(C2CD3):c.291T>A (p.Arg97=)

Gene: C2CD3 (C2 domain containing 3 centriole elongation regulator; minus strand). Cytogenetic location: 11q13.4.
Variant type: single nucleotide variant.
Coding change: c.291T>A on transcript NM_001286577.2 (MANE Select); coding-DNA position 291, T replaced by A.
Protein change: p.Arg97=; no amino-acid change (arginine 97 retained).
Molecular consequence: synonymous variant.
Genome position (GRCh38, 1-based): chr11:74,168,378, A>T on the plus strand (T>A on the coding strand, the complement: C2CD3 is on the minus strand). VCF-style: chr11-74168378-A-T. GRCh37 (hg19) VCF-style: chr11-73879423-A-T.
Other names: c.291T>A, p.Arg97= (NM_015531.6).
Identifiers: ClinVar variation 2642146 (VCV002642146.24), dbSNP rs1856939353, ClinGen allele CA475665246.

ClinVar aggregate classification (germline): Likely benign (1 of 4 stars; one submission).

Submission:

CeGaT Center for Human Genetics Tuebingen
Classification: Likely benign. Last evaluated: 2022-03-01. Review status: criteria provided, single submitter. Criteria: CeGaT Center For Human Genetics Tuebingen Variant Classification Criteria Version 2. Collection method: clinical testing. Allele origin: germline. Affected: yes. Observed: 1 variant allele.
Comment: C2CD3: PM2:Supporting, BP4, BP7